The following is an entry in ClinVar:

NM_007194.4(CHEK2):c.1462-7C>G

Gene: CHEK2 (checkpoint kinase 2; minus strand). Cytogenetic location: 22q12.1.
Variant type: single nucleotide variant.
Coding change: c.1462-7C>G on transcript NM_007194.4 (MANE Select); 7 bases into the intron before coding-DNA position 1462, C replaced by G.
Molecular consequence: intron variant.
Genome position (GRCh38, 1-based): chr22:28,689,222, G>C on the plus strand (C>G on the coding strand, the complement: CHEK2 is on the minus strand). VCF-style: chr22-28689222-G-C. GRCh37 (hg19) VCF-style: chr22-29085210-G-C.
Other names: c.799-7C>G (NM_001437942.1, NM_001257387.3); c.1261-7C>G (NM_001349956.3); c.1375-7C>G (NM_145862.3); c.1468-7C>G (NM_001438295.1); c.1555-7C>G (NM_001438293.1); c.1504-7C>G (NM_001438294.1); c.1591-7C>G (NM_001005735.3).
Identifiers: ClinVar variation 182460 (VCV000182460.54), dbSNP rs730881707, ClinGen allele CA299125.

ClinVar aggregate classification (germline): Conflicting classifications of pathogenicity. Review status: criteria provided, conflicting classifications (1 of 4 stars). 10 submissions from 10 submitters: Uncertain significance (5); Benign (1); Likely benign (3). 1 of the submissions does not count toward it. Last evaluated 2025-11-12.

Conditions:
CHEK2-related cancer predisposition (TPDS4). Also called: CHEK2-related cancer susceptibility; TUMOR PREDISPOSITION SYNDROME 4; CANCER PREDISPOSITION SYNDROME, CHEK2-RELATED. Identifiers: Orphanet 524, MedGen C5882668, MONDO:0700271, OMIM 609265.
Familial prostate cancer. Also called: Hereditary Prostate Cancer. Identifiers: MedGen C2931456, MONDO:0700275, OMIM 176807.
Bone osteosarcoma. Also called: Osteosarcoma, somatic. Identifiers: Orphanet 668, MedGen C0585442, MONDO:0002629, OMIM 259500.
Breast and/or ovarian cancer. Identifiers: MedGen CN221562.
Hereditary cancer-predisposing syndrome. Also called: Hereditary Cancer Syndrome; Neoplastic Syndromes, Hereditary; Tumor predisposition; Hereditary neoplastic syndrome. Identifiers: Orphanet 140162, MedGen C0027672, MeSH D009386, MONDO:0015356.
Familial cancer of breast. Also called: Hereditary breast cancer; hereditary breast carcinoma; BREAST CANCER, FAMILIAL. Identifiers: Orphanet 227535, MedGen C0346153, MONDO:0016419, OMIM 114480. Disease mechanism: loss of function.

Allele frequency attached by ClinVar (database versions not stated): TOPMed 0.00001; ExAC 0.00002; gnomAD 0.00002; gnomAD exomes 0.00002.

Submissions (10):

Labcorp Genetics (formerly Invitae), Labcorp
Classification: Likely benign for Familial cancer of breast. Last evaluated: 2025-11-12. Review status: criteria provided, single submitter. Criteria: Invitae Variant Classification Sherloc (09022015). Collection method: clinical testing. Allele origin: germline.

Quest Diagnostics Nichols Institute San Juan Capistrano
Classification: Uncertain significance. Last evaluated: 2025-11-07. Review status: criteria provided, single submitter. Criteria: Quest Diagnostics criteria. Collection method: clinical testing. Allele origin: unknown.
Comment: The CHEK2 c.1462-7C>G variant has not been reported in individuals with CHEK2-related conditions in the published literature. The frequency of this variant in the general population (Genome Aggregation Database) is uninformative in the assessment of its pathogenicity. Analysis of this variant using software algorithms for the prediction of the effect of nucleotide changes on CHEK2 mRNA splicing yielded inconclusive findings. Based on the available information, we are unable to determine the clinical significance of this variant.

Department of Pathology and Laboratory Medicine, Sinai Health System
Classification: Likely benign for Familial prostate cancer; Bone osteosarcoma; CHEK2-related cancer predisposition. Last evaluated: 2025-02-03. Review status: criteria provided, single submitter. Criteria: ACMG Guidelines, 2015. Collection method: clinical testing. Allele origin: germline. Affected: no.

Blueprint Genetics
Classification: Uncertain significance. Last evaluated: 2024-05-06. Review status: criteria provided, single submitter. Criteria: ACMG Guidelines, 2015. Collection method: clinical testing. Allele origin: germline.

Myriad Genetics, Inc.
Classification: Uncertain significance for Familial cancer of breast. Last evaluated: 2023-03-08. Review status: criteria provided, single submitter. Criteria: Myriad Autosomal Dominant, Autosomal Recessive and X-Linked Classification Criteria (2023). Collection method: clinical testing. Allele origin: unknown.
Comment: This variant is classified as a variant of uncertain significance as there is insufficient evidence to determine its impact on protein function and/or cancer risk.

CeGaT Center for Human Genetics Tuebingen
Classification: Uncertain significance. Last evaluated: 2022-10-01. Review status: criteria provided, single submitter. Criteria: CeGaT Center For Human Genetics Tuebingen Variant Classification Criteria Version 2. Collection method: clinical testing. Allele origin: germline. Affected: yes. Observed: 1 variant allele.
Comment: CHEK2: PM2:Supporting, BP4

CHEO Genetics Diagnostic Laboratory, Children's Hospital of Eastern Ontario
Classification: Uncertain significance for Breast and/or ovarian cancer. Last evaluated: 2019-09-06. Review status: criteria provided, single submitter. Criteria: ACMG Guidelines, 2015. Collection method: clinical testing. Allele origin: germline.

Color Diagnostics, LLC DBA Color Health
Classification: Likely benign for Hereditary cancer-predisposing syndrome. Last evaluated: 2017-12-19. Review status: criteria provided, single submitter. Criteria: ACMG Guidelines, 2015. Collection method: clinical testing. Allele origin: germline.

GeneDx
Classification: Benign. Last evaluated: 2014-09-14. Review status: criteria provided, single submitter. Criteria: GeneDx Variant Classification (06012015). Collection method: clinical testing. Allele origin: germline. Affected: yes.
Comment: This variant is considered likely benign or benign based on one or more of the following criteria: it is a conservative change, it occurs at a poorly conserved position in the protein, it is predicted to be benign by multiple in silico algorithms, and/or has population frequency not consistent with disease.

Counsyl
Classification: Uncertain significance for Familial cancer of breast. Last evaluated: 2016-10-06. Review status: no assertion criteria provided. Collection method: clinical testing. Allele origin: unknown. Not counted in ClinVar's aggregate classification.